The following is an entry in ClinVar:

ClinVar aggregate classification (germline): Uncertain significance (1 of 4 stars; one submission).

gnomAD v4.1: 1 of 1,614,188 alleles (0.000062%); highest among the groups gnomAD compares: Non-Finnish European, 0.000085%; no homozygotes.

Submission:

GeneDx
Classification: Uncertain significance. Last evaluated: 2025-09-04. Review status: criteria provided, single submitter. Criteria: GeneDx Variant Classification Process June 2021. Collection method: clinical testing. Allele origin: germline. Affected: yes.
Comment: Not observed at significant frequency in large population cohorts (gnomAD); In silico analysis suggests that this missense variant does not alter protein structure/function; Has not been previously published as pathogenic or benign to our knowledge

NM_138615.3(DHX30):c.2680C>T (p.Arg894Cys)

Gene: DHX30 (DExH-box helicase 30; plus strand). Cytogenetic location: 3p21.31.
Variant type: single nucleotide variant.
Coding change: c.2680C>T on transcript NM_138615.3 (MANE Select); coding-DNA position 2680, C replaced by T.
Protein change: p.Arg894Cys; replaces arginine 894 with cysteine.
Molecular consequence: missense variant.
Genome position (GRCh38, 1-based): chr3:47,848,728, C>T. VCF-style: chr3-47848728-C-T. GRCh37 (hg19) VCF-style: chr3-47890218-C-T.
Other names: c.2596C>T, p.Arg866Cys (NM_001330990.2); c.2563C>T, p.Arg855Cys (NM_014966.4); short protein forms R855C, R866C, R894C.
Identifiers: ClinVar variation 3378092 (VCV003378092.2).